The following is an entry in ClinVar:

ClinVar aggregate classification (germline): Uncertain significance (1 of 4 stars; one submission).

Allele frequency attached by ClinVar (database versions not stated): TOPMed 0.00002; gnomAD 0.00003; ESP Exome Variant Server 0.00008.

Submission:

Labcorp Genetics (formerly Invitae), Labcorp
Classification: Uncertain significance. Last evaluated: 2025-02-15. Review status: criteria provided, single submitter. Criteria: Invitae Variant Classification Sherloc (09022015). Collection method: clinical testing. Allele origin: germline.
Comment: This sequence change replaces arginine, which is basic and polar, with histidine, which is basic and polar, at codon 339 of the MMP14 protein (p.Arg339His). This variant is present in population databases (rs140740223, gnomAD 0.06%). This variant has not been reported in the literature in individuals affected with MMP14-related conditions. ClinVar contains an entry for this variant (Variation ID: 2143538). Invitae Evidence Modeling of protein sequence and biophysical properties (such as structural, functional, and spatial information, amino acid conservation, physicochemical variation, residue mobility, and thermodynamic stability) indicates that this missense variant is not expected to disrupt MMP14 protein function with a negative predictive value of 80%. In summary, the available evidence is currently insufficient to determine the role of this variant in disease. Therefore, it has been classified as a Variant of Uncertain Significance.

NM_004995.4(MMP14):c.1016G>A (p.Arg339His)

Gene: MMP14 (matrix metallopeptidase 14; plus strand). Cytogenetic location: 14q11.2.
Variant type: single nucleotide variant.
Coding change: c.1016G>A on transcript NM_004995.4 (MANE Select); coding-DNA position 1016, G replaced by A.
Protein change: p.Arg339His; replaces arginine 339 with histidine.
Molecular consequence: missense variant.
Genome position (GRCh38, 1-based): chr14:22,844,375, G>A. VCF-style: chr14-22844375-G-A. GRCh37 (hg19) VCF-style: chr14-23313584-G-A.
Other names: short protein forms R339H.
Identifiers: ClinVar variation 2143538 (VCV002143538.4), dbSNP rs140740223, ClinGen allele CA7105345.